The following is an entry in ClinVar:

ClinVar aggregate classification (germline): Conflicting classifications of pathogenicity. Review status: criteria provided, conflicting classifications (1 of 4 stars). 8 submissions from 8 submitters: Uncertain significance (7); Likely benign (1). Last evaluated 2024-09-30.

Conditions:
Classic or attenuated familial adenomatous polyposis. Identifiers: MedGen CN372698, MONDO:0021057.
APC-Associated Polyposis Disorders.
Hereditary cancer-predisposing syndrome. Also called: Hereditary neoplastic syndrome; Neoplastic Syndromes, Hereditary; Hereditary Cancer Syndrome; Tumor predisposition. Identifiers: Orphanet 140162, MedGen C0027672, MeSH D009386, MONDO:0015356.
Familial adenomatous polyposis 1 (FAP1). Also called: POLYPOSIS, ADENOMATOUS INTESTINAL; FAMILIAL ADENOMATOUS POLYPOSIS 1, ATTENUATED. Identifiers: MedGen C2713442, MONDO:0021056, OMIM 175100. Disease mechanism: loss of function.

Allele frequency attached by ClinVar (database versions not stated): gnomAD exomes 0.00001 and 0.00002; TOPMed below 0.00001.
gnomAD v4.1: 9 of 1,614,036 alleles (0.00056%); highest among the groups gnomAD compares: Non-Finnish European, 0.00076%; no homozygotes.

Submissions (8):

Blueprint Genetics
Classification: Uncertain significance. Last evaluated: 2024-09-30. Review status: criteria provided, single submitter. Criteria: ACMG Guidelines, 2015. Collection method: clinical testing. Allele origin: germline.

Labcorp Genetics (formerly Invitae), Labcorp
Classification: Uncertain significance for Familial adenomatous polyposis 1. Last evaluated: 2024-05-13. Review status: criteria provided, single submitter. Criteria: Invitae Variant Classification Sherloc (09022015). Collection method: clinical testing. Allele origin: germline.
Comment: This sequence change replaces threonine, which is neutral and polar, with isoleucine, which is neutral and non-polar, at codon 1448 of the APC protein (p.Thr1448Ile). This variant is present in population databases (no rsID available, gnomAD 0.004%). This missense change has been observed in individual(s) with personal or family history of breast and/or ovarian cancer (PMID: 31159747). ClinVar contains an entry for this variant (Variation ID: 469962). Advanced modeling of protein sequence and biophysical properties (such as structural, functional, and spatial information, amino acid conservation, physicochemical variation, residue mobility, and thermodynamic stability) performed at Invitae indicates that this missense variant is not expected to disrupt APC protein function with a negative predictive value of 95%. In summary, the available evidence is currently insufficient to determine the role of this variant in disease. Therefore, it has been classified as a Variant of Uncertain Significance.

Color Diagnostics, LLC DBA Color Health
Classification: Uncertain significance for Hereditary cancer-predisposing syndrome. Last evaluated: 2024-05-06. Review status: criteria provided, single submitter. Criteria: ACMG Guidelines, 2015. Collection method: clinical testing. Allele origin: germline.
Comment: This missense variant replaces threonine with isoleucine at codon 1448 of the APC protein. Computational prediction suggests that this variant may not impact protein structure and function (internally defined REVEL score threshold <= 0.5, PMID: 27666373). To our knowledge, functional studies have not been reported for this variant. This variant has been reported in an individual affected with breast and/or ovarian cancer (PMID: 31159747). This variant has been identified in 4/251218 chromosomes in the general population by the Genome Aggregation Database (gnomAD). The available evidence is insufficient to determine the role of this variant in disease conclusively. Therefore, this variant is classified as a Variant of Uncertain Significance.

All of Us Research Program, National Institutes of Health
Classification: Uncertain significance for Classic or attenuated familial adenomatous polyposis. Last evaluated: 2023-03-23. Review status: criteria provided, single submitter. Criteria: ACMG Guidelines, 2015. Collection method: clinical testing. Allele origin: germline. Inheritance: Autosomal dominant inheritance. Observed: 1 variant allele, 1 heterozygote.
Comment: This missense variant replaces threonine with isoleucine at codon 1448 of the APC protein. Computational prediction suggests that this variant may not impact protein structure and function (internally defined REVEL score threshold <= 0.5, PMID: 27666373). To our knowledge, functional studies have not been reported for this variant. This variant has been reported in an individual affected with breast and/or ovarian cancer (PMID: 31159747). This variant has been identified in 4/251218 chromosomes in the general population by the Genome Aggregation Database (gnomAD). The available evidence is insufficient to determine the role of this variant in disease conclusively. Therefore, this variant is classified as a Variant of Uncertain Significance.

This study involves interpretation of variants in research participants for the purpose of population health screening. Participant phenotype was not available at the time of variant classification. Additional details can be found in publication PMID: 35346344, PMCID: PMC8962531

GeneDx
Classification: Uncertain significance. Last evaluated: 2023-03-14. Review status: criteria provided, single submitter. Criteria: GeneDx Variant Classification Process June 2021. Collection method: clinical testing. Allele origin: germline. Affected: yes.
Comment: Not observed at significant frequency in large population cohorts (gnomAD); In silico analysis supports that this missense variant does not alter protein structure/function; Observed in individuals referred for genetic hereditary cancer testing (Tsaousis et al., 2019); This variant is associated with the following publications: (PMID: 18199528, 31159747)

Ambry Genetics
Classification: Likely benign for Hereditary cancer-predisposing syndrome. Last evaluated: 2023-03-07. Review status: criteria provided, single submitter. Criteria: Ambry Variant Classification Scheme 2023. Collection method: clinical testing. Allele origin: germline.

GeneKor MSA
Classification: Uncertain significance for Hereditary cancer-predisposing syndrome. Last evaluated: 2018-08-01. Review status: criteria provided, single submitter. Criteria: ACMG Guidelines, 2015. Collection method: clinical testing. Allele origin: germline. Affected: yes.

Illumina Laboratory Services, Illumina
Classification: Uncertain significance for APC-Associated Polyposis Disorders. Last evaluated: 2018-03-02. Review status: criteria provided, single submitter. Criteria: ICSL Variant Classification Criteria 13 December 2019. Collection method: clinical testing. Allele origin: germline.

Literature cited by the submitters: PubMed 31159747 (cited by 4 submitters).

NM_000038.6(APC):c.4343C>T (p.Thr1448Ile)

Gene: APC (APC regulator of Wnt signaling pathway; plus strand). Cytogenetic location: 5q22.2.
Variant type: single nucleotide variant.
Coding change: c.4343C>T on transcript NM_000038.6 (MANE Select); coding-DNA position 4343, C replaced by T.
Protein change: p.Thr1448Ile; replaces threonine 1448 with isoleucine.
Molecular consequence: missense variant.
Genome position (GRCh38, 1-based): chr5:112,839,937, C>T. VCF-style: chr5-112839937-C-T. GRCh37 (hg19) VCF-style: chr5-112175634-C-T.
Other names: c.4343C>T, p.Thr1448Ile (NM_001127510.3, NM_001354895.2); c.4289C>T, p.Thr1430Ile (NM_001127511.3); c.4397C>T, p.Thr1466Ile (NM_001354896.2); c.4373C>T, p.Thr1458Ile (NM_001354897.2); c.4268C>T, p.Thr1423Ile (NM_001354898.2); c.4259C>T, p.Thr1420Ile (NM_001354899.2); c.4220C>T, p.Thr1407Ile (NM_001354900.2); c.4166C>T, p.Thr1389Ile (NM_001354901.2); and 5 more; short protein forms T1430I, T1448I, T1288I, T1347I, T1357I, T1389I, T1420I, T1466I.
Identifiers: ClinVar variation 469962 (VCV000469962.24), dbSNP rs907886109, ClinGen allele CA16030848.